The following is an entry in ClinVar:

ClinVar aggregate classification (germline): Uncertain significance (1 of 4 stars; one submission).

Conditions:
Immunodeficiency, common variable, 7. Identifiers: Orphanet 1572, Orphanet 696894, MedGen C3542922, MONDO:0013862, OMIM 614699.

Allele frequency attached by ClinVar (database versions not stated): gnomAD 0.00001; TOPMed 0.00001.
gnomAD v4.1: 1 of 1,613,208 alleles (0.000062%); highest among the groups gnomAD compares: African/African-American, 0.0013%; no homozygotes.

Submission:

Labcorp Genetics (formerly Invitae), Labcorp
Classification: Uncertain significance for Immunodeficiency, common variable, 7. Last evaluated: 2025-01-06. Review status: criteria provided, single submitter. Criteria: Invitae Variant Classification Sherloc (09022015). Collection method: clinical testing. Allele origin: germline.
Comment: This sequence change replaces arginine, which is basic and polar, with serine, which is neutral and polar, at codon 888 of the CR2 protein (p.Arg888Ser). This variant is not present in population databases (gnomAD no frequency). This variant has not been reported in the literature in individuals affected with CR2-related conditions. ClinVar contains an entry for this variant (Variation ID: 2898467). An algorithm developed to predict the effect of missense changes on protein structure and function (PolyPhen-2) suggests that this variant is likely to be tolerated. In summary, the available evidence is currently insufficient to determine the role of this variant in disease. Therefore, it has been classified as a Variant of Uncertain Significance.

NM_001006658.3(CR2):c.2664G>T (p.Arg888Ser)

Gene: CR2 (complement C3d receptor 2; plus strand). Cytogenetic location: 1q32.2.
Variant type: single nucleotide variant.
Coding change: c.2664G>T on transcript NM_001006658.3 (MANE Select); coding-DNA position 2664, G replaced by T.
Protein change: p.Arg888Ser; replaces arginine 888 with serine.
Molecular consequence: missense variant.
Genome position (GRCh38, 1-based): chr1:207,475,164, G>T. VCF-style: chr1-207475164-G-T. GRCh37 (hg19) VCF-style: chr1-207648509-G-T.
Other names: c.2487G>T, p.Arg829Ser (NM_001877.5); short protein forms R888S, R829S.
Identifiers: ClinVar variation 2898467 (VCV002898467.3), dbSNP rs1006565326, ClinGen allele CA36652949.
Genomic context (GRCh38, chr1:207,475,164, plus strand): 5'-TGACATAGTGTATGTTGACTGCAATCCTGGCTTCATCATGAATGGTAGTCGCGTGATTAG[G>T]TGTCATACTGATAACACATGGGTGCCAGGTGTGCCAACTTGTATCAAAAAAGGTAAGATA-3'
Protein context (NP_001006659.1, residues 878-898): GFIMNGSRVI[Arg888Ser]CHTDNTWVPG